The following is an entry in ClinVar:

NM_002734.5(PRKAR1A):c.75T>G (p.His25Gln)

Gene: PRKAR1A (protein kinase cAMP-dependent type I regulatory subunit alpha; plus strand). Cytogenetic location: 17q24.2.
Variant type: single nucleotide variant.
Coding change: c.75T>G on transcript NM_002734.5 (MANE Select); coding-DNA position 75, T replaced by G.
Protein change: p.His25Gln; replaces histidine 25 with glutamine.
Molecular consequence: missense variant.
Genome position (GRCh38, 1-based): chr17:68,515,474, T>G. VCF-style: chr17-68515474-T-G. GRCh37 (hg19) VCF-style: chr17-66511615-T-G.
Other names: c.75T>G, p.His25Gln (NM_001276289.2, NM_001276290.1, NM_001278433.2 and 4 more transcripts); short protein forms H25Q.
Identifiers: ClinVar variation 3222773 (VCV003222773.2), dbSNP rs2143150732, ClinGen allele CA400751915.

ClinVar aggregate classification (germline): Uncertain significance. Review status: criteria provided, multiple submitters, no conflicts (2 of 4 stars). 2 submissions from 2 submitters: Uncertain significance (2). Last evaluated 2025-08-15.

Conditions:
Hereditary cancer-predisposing syndrome. Also called: Tumor predisposition; Hereditary neoplastic syndrome; Hereditary Cancer Syndrome; Neoplastic Syndromes, Hereditary. Identifiers: Orphanet 140162, MedGen C0027672, MeSH D009386, MONDO:0015356.
Carney complex, type 1 (CNC1). Also called: CARNEY MYXOMA-ENDOCRINE COMPLEX; CARNEY COMPLEX, TYPE I. Identifiers: Orphanet 1359, MedGen C2607929, MONDO:0008057, OMIM 160980.

Submissions (2):

Labcorp Genetics (formerly Invitae), Labcorp
Classification: Uncertain significance for Carney complex, type 1. Last evaluated: 2025-08-15. Review status: criteria provided, single submitter. Criteria: Invitae Variant Classification Sherloc (09022015). Collection method: clinical testing. Allele origin: germline.
Comment: This sequence change replaces histidine, which is basic and polar, with glutamine, which is neutral and polar, at codon 25 of the PRKAR1A protein (p.His25Gln). This variant is not present in population databases (gnomAD no frequency). This variant has not been reported in the literature in individuals affected with PRKAR1A-related conditions. ClinVar contains an entry for this variant (Variation ID: 3222773). Invitae Evidence Modeling of protein sequence and biophysical properties (such as structural, functional, and spatial information, amino acid conservation, physicochemical variation, residue mobility, and thermodynamic stability) indicates that this missense variant is not expected to disrupt PRKAR1A protein function with a negative predictive value of 95%. In summary, the available evidence is currently insufficient to determine the role of this variant in disease. Therefore, it has been classified as a Variant of Uncertain Significance.

Ambry Genetics
Classification: Uncertain significance for Hereditary cancer-predisposing syndrome. Last evaluated: 2024-01-17. Review status: criteria provided, single submitter. Criteria: Ambry Variant Classification Scheme 2023. Collection method: clinical testing. Allele origin: germline.
Comment: The p.H25Q variant (also known as c.75T>G), located in coding exon 1 of the PRKAR1A gene, results from a T to G substitution at nucleotide position 75. The histidine at codon 25 is replaced by glutamine, an amino acid with highly similar properties. This amino acid position is conserved. In addition, the in silico prediction for this alteration is inconclusive. Based on the available evidence, the clinical significance of this alteration remains unclear.